The following is an entry in ClinVar:

ClinVar aggregate classification (germline): Uncertain significance. Review status: criteria provided, multiple submitters, no conflicts (2 of 4 stars). 2 submissions from 2 submitters: Uncertain significance (2). Last evaluated 2025-06-22.

gnomAD v4.1: 18 of 1,614,032 alleles (0.0011%); highest among the groups gnomAD compares: Non-Finnish European, 0.0014%; no homozygotes.

Submissions (2):

Labcorp Genetics (formerly Invitae), Labcorp
Classification: Uncertain significance. Last evaluated: 2025-06-22. Review status: criteria provided, single submitter. Criteria: Invitae Variant Classification Sherloc (09022015). Collection method: clinical testing. Allele origin: germline.
Comment: This sequence change replaces glutamic acid, which is acidic and polar, with lysine, which is basic and polar, at codon 304 of the DFNA5 protein (p.Glu304Lys). This variant is present in population databases (rs770746301, gnomAD 0.004%). This variant has not been reported in the literature in individuals affected with DFNA5-related conditions. Invitae Evidence Modeling of protein sequence and biophysical properties (such as structural, functional, and spatial information, amino acid conservation, physicochemical variation, residue mobility, and thermodynamic stability) indicates that this missense variant is not expected to disrupt DFNA5 protein function with a negative predictive value of 80%. In summary, the available evidence is currently insufficient to determine the role of this variant in disease. Therefore, it has been classified as a Variant of Uncertain Significance.

Blueprint Genetics
Classification: Uncertain significance. Last evaluated: 2023-07-20. Review status: criteria provided, single submitter. Criteria: ACMG Guidelines, 2015. Collection method: clinical testing. Allele origin: germline.

NM_001127453.2(GSDME):c.910G>A (p.Glu304Lys)

Gene: GSDME (gasdermin E; minus strand). Cytogenetic location: 7p15.3.
Variant type: single nucleotide variant.
Coding change: c.910G>A on transcript NM_001127453.2 (MANE Select); coding-DNA position 910, G replaced by A.
Protein change: p.Glu304Lys; replaces glutamic acid 304 with lysine.
Molecular consequence: missense variant.
Genome position (GRCh38, 1-based): chr7:24,708,207, C>T on the plus strand (G>A on the coding strand, the complement: GSDME is on the minus strand). VCF-style: chr7-24708207-C-T. GRCh37 (hg19) VCF-style: chr7-24747826-C-T.
Other names: c.418G>A, p.Glu140Lys (NM_001127454.2, NM_001438059.1); c.910G>A, p.Glu304Lys (NM_004403.3); short protein forms E140K, E304K.
Identifiers: ClinVar variation 4701167 (VCV004701167.2).